The following is an entry in ClinVar:

ClinVar aggregate classification (germline): Uncertain significance (1 of 4 stars; one submission).

Submission:

GeneDx
Classification: Uncertain significance. Last evaluated: 2024-02-16. Review status: criteria provided, single submitter. Criteria: GeneDx Variant Classification Process June 2021. Collection method: clinical testing. Allele origin: germline. Affected: yes.
Comment: Not observed at significant frequency in large population cohorts (gnomAD); In silico analysis supports that this missense variant does not alter protein structure/function; Has not been previously published as pathogenic or benign to our knowledge

NM_021096.4(CACNA1I):c.6080G>C (p.Ser2027Thr)

Gene: CACNA1I (calcium voltage-gated channel subunit alpha1 I; plus strand). Cytogenetic location: 22q13.1.
Variant type: single nucleotide variant.
Coding change: c.6080G>C on transcript NM_021096.4 (MANE Select); coding-DNA position 6080, G replaced by C.
Protein change: p.Ser2027Thr; replaces serine 2027 with threonine.
Molecular consequence: missense variant.
Genome position (GRCh38, 1-based): chr22:39,685,813, G>C. VCF-style: chr22-39685813-G-C. GRCh37 (hg19) VCF-style: chr22-40081818-G-C.
Other names: c.5975G>C, p.Ser1992Thr (NM_001003406.2); short protein forms S1992T, S2027T.
Identifiers: ClinVar variation 3369385 (VCV003369385.1).